The following is an entry in ClinVar:

NM_138694.4(PKHD1):c.3311C>T (p.Ser1104Phe)

Gene: PKHD1 (PKHD1 ciliary IPT domain containing fibrocystin/polyductin; minus strand). Cytogenetic location: 6p12.2.
Variant type: single nucleotide variant.
Coding change: c.3311C>T on transcript NM_138694.4 (MANE Select); coding-DNA position 3311, C replaced by T.
Protein change: p.Ser1104Phe; replaces serine 1104 with phenylalanine.
Molecular consequence: missense variant.
Genome position (GRCh38, 1-based): chr6:52,033,083, G>A on the plus strand (C>T on the coding strand, the complement: PKHD1 is on the minus strand). VCF-style: chr6-52033083-G-A. GRCh37 (hg19) VCF-style: chr6-51897881-G-A.
Other names: c.3311C>T, p.Ser1104Phe (NM_170724.3); short protein forms S1104F.
Identifiers: ClinVar variation 1406092 (VCV001406092.9), dbSNP rs769085607, ClinGen allele CA3852981.

ClinVar aggregate classification (germline): Uncertain significance (1 of 4 stars; one submission).

Conditions:
Autosomal recessive polycystic kidney disease (ARPKD). Also called: AR polycystic kidney disease. Identifiers: Orphanet 731, Orphanet 8378, MedGen C0085548, MeSH D017044, MONDO:0009889.

Allele frequency attached by ClinVar (database versions not stated): gnomAD exomes below 0.00001; ExAC 0.00001.
gnomAD v4.1: 1 of 1,611,776 alleles (0.000062%); no homozygotes.

Submission:

Labcorp Genetics (formerly Invitae), Labcorp
Classification: Uncertain significance for Autosomal recessive polycystic kidney disease. Last evaluated: 2021-01-14. Review status: criteria provided, single submitter. Criteria: Invitae Variant Classification Sherloc (09022015). Collection method: clinical testing. Allele origin: germline.
Comment: In summary, the available evidence is currently insufficient to determine the role of this variant in disease. Therefore, it has been classified as a Variant of Uncertain Significance. Algorithms developed to predict the effect of missense changes on protein structure and function are either unavailable or do not agree on the potential impact of this missense change (SIFT: "Tolerated"; PolyPhen-2: "Possibly Damaging"; Align-GVGD: "Class C0"). This variant has not been reported in the literature in individuals with PKHD1-related conditions. This variant is present in population databases (rs769085607, ExAC 0.006%). This sequence change replaces serine with phenylalanine at codon 1104 of the PKHD1 protein (p.Ser1104Phe). The serine residue is moderately conserved and there is a large physicochemical difference between serine and phenylalanine.